The following is an entry in ClinVar:

NM_007294.4(BRCA1):c.3238T>C (p.Leu1080=)

Genes: BRCA1 (BRCA1 DNA repair associated; minus strand), LOC126862571 (BRD4-independent group 4 enhancer GRCh37_chr17:41243136-41244335; plus strand). Cytogenetic location: 17q21.31.
Variant type: single nucleotide variant.
Coding change: c.3238T>C on transcript NM_007294.4 (MANE Select); coding-DNA position 3238, T replaced by C.
Protein change: p.Leu1080=; no amino-acid change (leucine 1080 retained).
Molecular consequence: synonymous variant. On other transcripts: intron variant (137).
Genome position (GRCh38, 1-based): chr17:43,092,293, A>G on the plus strand (T>C on the coding strand, the complement: BRCA1 is on the minus strand). VCF-style: chr17-43092293-A-G. GRCh37 (hg19) VCF-style: chr17-41244310-A-G.
Other names: c.3025T>C, p.Leu1009= (NM_001407571.1, NM_001407853.1, NM_001407894.1 and 9 more transcripts); c.3238T>C, p.Leu1080= (NM_001407581.1, NM_001407582.1, NM_001407583.1 and 30 more transcripts); c.3235T>C, p.Leu1079= (NM_001407587.1, NM_001407590.1, NM_001407591.1 and 22 more transcripts); c.3229T>C, p.Leu1077= (NM_001407646.1, NM_001407647.1); c.3115T>C, p.Leu1039= (NM_001407648.1, NM_001407664.1, NM_001407665.1 and 19 more transcripts); c.3112T>C, p.Leu1038= (NM_001407649.1, NM_001407670.1, NM_001407671.1 and 11 more transcripts); c.3160T>C, p.Leu1054= (NM_001407653.1, NM_001407654.1, NM_001407655.1 and 4 more transcripts); c.3157T>C, p.Leu1053= (NM_001407659.1, NM_001407660.1, NM_001407661.1 and 1 more transcripts); and 41 more.
Identifiers: ClinVar variation 184374 (VCV000184374.30), dbSNP rs754597283, ClinGen allele CA002096.
Genomic context (GRCh38, chr17:43,092,293, plus strand): 5'-CAGGAAGACTTTGTTTATAGACCTCAGGTTGCAAAACCCCTAATCTAAGCATAGCATTCA[A>G]TTTTGGCCCTCTGTTTCTACCTAGTTCTGCTTGAATGTTTTCATCACTGGAACCTATTTC-3'
Protein context (NP_009225.1, residues 1070-1090): AELGRNRGPK[Leu1080=]NAMLRLGVLQ

ClinVar aggregate classification (germline): Likely benign. Review status: reviewed by expert panel (3 of 4 stars). 12 submissions from 12 submitters: Likely benign (1). 11 of the submissions do not count toward it. Last evaluated 2017-06-29.

Conditions:
BRCA1-related disorder. Also called: BRCA1-related condition.
Hereditary breast ovarian cancer syndrome. Also called: Hereditary breast and ovarian cancer syndrome; Hereditary breast and ovarian cancer syndrome (HBOC); BRCA1- and BRCA2-Associated Hereditary Breast and Ovarian Cancer; Breast and ovarian cancer; Hereditary breast and ovarian cancer; Hereditary breast and/or ovarian cancer syndrome. Identifiers: Orphanet 145, MedGen C0677776, MeSH D061325, MONDO:0003582. Disease mechanism: loss of function.
Hereditary cancer-predisposing syndrome. Also called: Hereditary Cancer Syndrome; Hereditary neoplastic syndrome; Tumor predisposition; Neoplastic Syndromes, Hereditary. Identifiers: Orphanet 140162, MedGen C0027672, MeSH D009386, MONDO:0015356.
Breast-ovarian cancer, familial, susceptibility to, 1 (BROVCA1). Also called: OVARIAN CANCER, SUSCEPTIBILITY TO; BRCA1 Hereditary Breast and Ovarian Cancer. Identifiers: Orphanet 145, MedGen C2676676, MONDO:0011450, OMIM 604370. Disease mechanism: loss of function.

Allele frequency attached by ClinVar (database versions not stated): gnomAD exomes 0.00001 and 0.00002; gnomAD 0.00002 and 0.00003; TOPMed 0.00002; ExAC 0.00005.
gnomAD v4.1: 20 of 1,613,774 alleles (0.0012%); highest among the groups gnomAD compares: South Asian, 0.0055%; no homozygotes.

Submissions (12):

Evidence-based Network for the Interpretation of Germline Mutant Alleles (ENIGMA)
Classification: Likely benign for Breast-ovarian cancer, familial, susceptibility to, 1. Last evaluated: 2017-06-29. Review status: reviewed by expert panel. Criteria: ENIGMA BRCA1/2 Classification Criteria (2017-06-29). Collection method: curation. Allele origin: germline.
Comment: Synonymous substitution variant, with low bioinformatic likelihood to result in a splicing aberration (Splicing prior probability 0.02).

Labcorp Genetics (formerly Invitae), Labcorp
Classification: Likely benign for Hereditary breast ovarian cancer syndrome. Last evaluated: 2026-01-05. Review status: criteria provided, single submitter. Criteria: Invitae Variant Classification Sherloc (09022015). Collection method: clinical testing. Allele origin: germline. Not counted in ClinVar's aggregate classification.

All of Us Research Program, National Institutes of Health
Classification: Likely benign for Breast-ovarian cancer, familial, susceptibility to, 1. Last evaluated: 2023-11-30. Review status: criteria provided, single submitter. Criteria: ACMG Guidelines, 2015. Collection method: clinical testing. Allele origin: germline. Inheritance: Autosomal dominant inheritance. Observed: 1 variant allele, 1 heterozygote. Not counted in ClinVar's aggregate classification.
Comment: This study involves interpretation of variants in research participants for the purpose of population health screening. Participant phenotype was not available at the time of variant classification. Additional details can be found in publication PMID: 35346344, PMCID: PMC8962531

Quest Diagnostics Nichols Institute San Juan Capistrano
Classification: Likely benign. Last evaluated: 2023-06-21. Review status: criteria provided, single submitter. Criteria: Quest Diagnostics criteria. Collection method: clinical testing. Allele origin: unknown. Not counted in ClinVar's aggregate classification.

Blueprint Genetics
Classification: Likely benign. Last evaluated: 2022-07-21. Review status: criteria provided, single submitter. Criteria: ACMG Guidelines, 2015. Collection method: clinical testing. Allele origin: germline. Not counted in ClinVar's aggregate classification.

Sema4
Classification: Likely benign for Hereditary cancer-predisposing syndrome. Last evaluated: 2021-05-06. Review status: criteria provided, single submitter. Criteria: Sema4 Curation Guidelines. Collection method: curation. Allele origin: germline. Not counted in ClinVar's aggregate classification.

Women's Health and Genetics/Laboratory Corporation of America, LabCorp
Classification: Likely benign. Last evaluated: 2019-08-21. Review status: criteria provided, single submitter. Criteria: LabCorp Variant Classification Summary - May 2015. Collection method: clinical testing. Allele origin: germline. Not counted in ClinVar's aggregate classification.

GeneDx
Classification: Likely benign. Last evaluated: 2019-02-20. Review status: criteria provided, single submitter. Criteria: GeneDx Variant Classification Process June 2021. Collection method: clinical testing. Allele origin: germline. Affected: yes. Not counted in ClinVar's aggregate classification.

Color Diagnostics, LLC DBA Color Health
Classification: Likely benign for Hereditary cancer-predisposing syndrome. Last evaluated: 2017-04-06. Review status: criteria provided, single submitter. Criteria: ACMG Guidelines, 2015. Collection method: clinical testing. Allele origin: germline. Not counted in ClinVar's aggregate classification.

Ambry Genetics
Classification: Likely benign for Hereditary cancer-predisposing syndrome. Last evaluated: 2014-09-29. Review status: criteria provided, single submitter. Criteria: Ambry Variant Classification Scheme 2023. Collection method: clinical testing. Allele origin: germline. Not counted in ClinVar's aggregate classification.

PreventionGenetics, part of Exact Sciences
Classification: Likely benign for BRCA1-related condition. Last evaluated: 2019-03-14. Review status: no assertion criteria provided. Collection method: clinical testing. Allele origin: germline. Not counted in ClinVar's aggregate classification.
Comment: This variant is classified as likely benign based on ACMG/AMP sequence variant interpretation guidelines (Richards et al. 2015 PMID: 25741868, with internal and published modifications).

Department of Pathology and Laboratory Medicine, Sinai Health System
Classification: Likely benign. Review status: no assertion criteria provided. Collection method: clinical testing. Allele origin: unknown. Affected: yes. Study: The Canadian Open Genetics Repository (COGR). Not counted in ClinVar's aggregate classification.
Comment: The BRCA1 p.Leu1080Leu variant is not expected to have clinical significance because it does not result in a change of amino acid and is not located in a known consensus splice site; in addition, in silico or computational prediction software programs (SpliceSiteFinder, MaxEntScan, NNSPLICE, GeneSplicer, HumanSpliceFinder) do not predict a difference in splicing. The variant was identified in UMD (2X as an unclassified variant) and in the Exome Aggregation Consortium (ExAC) database in 3/11574 Latino alleles, 2/16506 South Asian alleles, and in 1/908 alleles of â€šÃ„Ãºotherâ€šÃ„Ã¹ ethnic origin; this low number of observations and low frequency is not substantive enough to determine the prevalence of the variant in the general population and its relationship to disease. The variant was not identified in the literature, nor was it identified any of the other databases searched, including: dbSNP, NHLBI Exome Sequencing Project (Exome Variant Server), HGMD, LOVD, COSMIC, ClinVar, GeneInsight VariantWire, and BIC. In summary, based on the above information, the clinical significance of this variant cannot be determined with certainty at this time although we would lean towards a more benign role for this variant. This variant is classified as predicted benign.